The following is an entry in ClinVar:

ClinVar aggregate classification (germline): Uncertain significance (1 of 4 stars; one submission).

Conditions:
Lethal multiple pterygium syndrome (LMPS). Identifiers: Orphanet 33108, MedGen C1854678, MONDO:0009668, OMIM 253290.

Submission:

Labcorp Genetics (formerly Invitae), Labcorp
Classification: Uncertain significance for Lethal multiple pterygium syndrome. Last evaluated: 2022-08-15. Review status: criteria provided, single submitter. Criteria: Invitae Variant Classification Sherloc (09022015). Collection method: clinical testing. Allele origin: germline.
Comment: A copy number gain of the genomic region encompassing the full coding sequence of the CHRND gene has been identified. The boundaries of this event are unknown as they extend beyond the assayed region for this gene and therefore may encompass additional genes. As the precise location of this event is unknown, it may be in tandem or it may be located elsewhere in the genome. This variant has not been reported in the literature in individuals affected with CHRND-related conditions. In summary, the available evidence is currently insufficient to determine the role of this variant in disease. Therefore, it has been classified as a Variant of Uncertain Significance.

NC_000002.11:g.(?_233390906)_(233410446_?)dup

Genes: TIGD1 (tigger transposable element derived 1; minus strand), CHRND (cholinergic receptor nicotinic delta subunit; plus strand), CHRNG (cholinergic receptor nicotinic gamma subunit; plus strand), LOC129935864 (ATAC-STARR-seq lymphoblastoid active region 17323; plus strand). Cytogenetic location: 2q37.1.
Variant type: Duplication.
Identifiers: ClinVar variation 534541 (VCV000534541.3).